The following is an entry in ClinVar:

NM_001377142.1(PLCB4):c.761G>T (p.Arg254Leu)

Gene: PLCB4 (phospholipase C beta 4; plus strand). Cytogenetic location: 20p12.2.
Variant type: single nucleotide variant.
Coding change: c.761G>T on transcript NM_001377142.1 (MANE Select); coding-DNA position 761, G replaced by T.
Protein change: p.Arg254Leu; replaces arginine 254 with leucine.
Molecular consequence: missense variant.
Genome position (GRCh38, 1-based): chr20:9,380,070, G>T. VCF-style: chr20-9380070-G-T. GRCh37 (hg19) VCF-style: chr20-9360717-G-T.
Other names: c.761G>T, p.Arg254Leu (NM_000933.4, NM_001172646.2, NM_001377134.2 and 4 more transcripts); short protein forms R254L.
Identifiers: ClinVar variation 3907986 (VCV003907986.1).

ClinVar aggregate classification (germline): Uncertain significance (1 of 4 stars; one submission).

Submission:

GeneDx
Classification: Uncertain significance. Last evaluated: 2024-12-30. Review status: criteria provided, single submitter. Criteria: GeneDx Variant Classification Process June 2021. Collection method: clinical testing. Allele origin: germline. Affected: yes.
Comment: Not observed at significant frequency in large population cohorts (gnomAD); In silico analysis supports that this missense variant has a deleterious effect on protein structure/function; Has not been previously published as pathogenic or benign to our knowledge